The following is an entry in ClinVar:

NM_001710.6(CFB):c.658+5C>T

Gene: CFB (complement factor B; plus strand). Cytogenetic location: 6p21.33.
Variant type: single nucleotide variant.
Coding change: c.658+5C>T on transcript NM_001710.6 (MANE Select); 5 bases into the intron after coding-DNA position 658, C replaced by T.
Molecular consequence: intron variant.
Genome position (GRCh38, 1-based): chr6:31,947,526, C>T. VCF-style: chr6-31947526-C-T. GRCh37 (hg19) VCF-style: chr6-31915303-C-T.
Identifiers: ClinVar variation 3729467 (VCV003729467.2).
Genomic context (GRCh38, chr6:31,947,526, plus strand): 5'-GCGGCGAACGTGTCAGGAAGGTGGCTCTTGGAGCGGGACGGAGCCTTCCTGCCAAGGTGA[C>T]CTTTGACCTGTACCCCCAGGTCAGATCCTGGTCTTCCATCCTACTGTCTTCTCTCCCCAC-3'

ClinVar aggregate classification (germline): Uncertain significance (1 of 4 stars; one submission).

gnomAD v4.1: 1 of 1,612,848 alleles (0.000062%); highest among the groups gnomAD compares: Non-Finnish European, 0.000085%; no homozygotes.

Submission:

Labcorp Genetics (formerly Invitae), Labcorp
Classification: Uncertain significance. Last evaluated: 2025-01-23. Review status: criteria provided, single submitter. Criteria: Invitae Variant Classification Sherloc (09022015). Collection method: clinical testing. Allele origin: germline.
Comment: This sequence change falls in intron 4 of the CFB gene. It does not directly change the encoded amino acid sequence of the CFB protein. It affects a nucleotide within the consensus splice site. This variant is not present in population databases (gnomAD no frequency). This variant has not been reported in the literature in individuals affected with CFB-related conditions. Variants that disrupt the consensus splice site are a relatively common cause of aberrant splicing (PMID: 17576681, 9536098). Algorithms developed to predict the effect of sequence changes on RNA splicing suggest that this variant is not likely to affect RNA splicing. In summary, the available evidence is currently insufficient to determine the role of this variant in disease. Therefore, it has been classified as a Variant of Uncertain Significance.

Literature cited by the submitters: PubMed 17576681; PubMed 9536098.